The following is an entry in ClinVar:

NM_002016.2(FLG):c.8670T>C (p.Ser2890=)

Genes: CCDST (cervical cancer associated DHX9 suppressive transcript; plus strand), FLG (filaggrin; minus strand). Cytogenetic location: 1q21.3.
Variant type: single nucleotide variant.
Coding change: c.8670T>C on transcript NM_002016.2 (MANE Select); coding-DNA position 8670, T replaced by C.
Protein change: p.Ser2890=; no amino-acid change (serine 2890 retained).
Molecular consequence: synonymous variant.
Genome position (GRCh38, 1-based): chr1:152,306,216, A>G on the plus strand (T>C on the coding strand, the complement: FLG is on the minus strand). VCF-style: chr1-152306216-A-G. GRCh37 (hg19) VCF-style: chr1-152278692-A-G.
Identifiers: ClinVar variation 2639255 (VCV002639255.25), dbSNP rs146664723, ClinGen allele CA1104084.
Genomic context (GRCh38, chr1:152,306,216, plus strand): 5'-AGACCCAGACCACCTCTCAGAGTCTTCTGAATGTCCCTCACTGTCACTGTCCTGGCTCAC[A>G]CTGGATCCCTGGCGCCTGCTTCTCCTGGACCCCTCTGATTGTCCCTGGACTGCCTGTGAG-3'
Protein context (NP_002007.1, residues 2880-2900): GSRRSRRQGS[Ser2890=]VSQDSDSEGH

ClinVar aggregate classification (germline): Likely benign. Review status: criteria provided, multiple submitters, no conflicts (2 of 4 stars). 2 submissions from 2 submitters: Likely benign (2). Last evaluated 2024-03-28.

Allele frequency attached by ClinVar (database versions not stated): gnomAD exomes 0.00005; gnomAD 0.00045; ESP Exome Variant Server 0.00063; 1000 Genomes Project 0.00080; 1000 Genomes Project 30x 0.00094.
gnomAD v4.1: 135 of 1,604,186 alleles (0.0084%); highest among the groups gnomAD compares: African/African-American, 0.18%; 1 homozygote.

Submissions (2):

Blueprint Genetics
Classification: Likely benign. Last evaluated: 2024-03-28. Review status: criteria provided, single submitter. Criteria: ACMG Guidelines, 2015. Collection method: clinical testing. Allele origin: germline.

CeGaT Center for Human Genetics Tuebingen
Classification: Likely benign. Last evaluated: 2022-03-01. Review status: criteria provided, single submitter. Criteria: CeGaT Center For Human Genetics Tuebingen Variant Classification Criteria Version 2. Collection method: clinical testing. Allele origin: germline. Affected: yes. Observed: 1 variant allele.
Comment: FLG: BP4, BP7